The following is an entry in ClinVar:

NM_017654.4(SAMD9):c.4369G>T (p.Ala1457Ser)

Gene: SAMD9 (sterile alpha motif domain containing 9; minus strand). Cytogenetic location: 7q21.2.
Variant type: single nucleotide variant.
Coding change: c.4369G>T on transcript NM_017654.4 (MANE Select); coding-DNA position 4369, G replaced by T.
Protein change: p.Ala1457Ser; replaces alanine 1457 with serine.
Molecular consequence: missense variant.
Genome position (GRCh38, 1-based): chr7:93,101,729, C>A on the plus strand (G>T on the coding strand, the complement: SAMD9 is on the minus strand). VCF-style: chr7-93101729-C-A. GRCh37 (hg19) VCF-style: chr7-92731042-C-A.
Other names: c.4369G>T, p.Ala1457Ser (NM_001193307.2); c.4369G>T (NM_017654.3); short protein forms A1457S.
Identifiers: ClinVar variation 2114038 (VCV002114038.2), dbSNP rs1285365179, ClinGen allele CA368179210.
Genomic context (GRCh38, chr7:93,101,729, plus strand): 5'-GTTGCTTTGTACGATGCATATGTTTATATTGCCCCTTGAAAGAATTTTTTAGTGCTTGAG[C>A]ATACTCTTTCATTTGTTCAGAATGTTGATCTAGTTGTTGATTTTCTGGCCAGAATAAGAG-3'
Protein context (NP_060124.2, residues 1447-1467): DQHSEQMKEY[Ala1457Ser]QALKNSFKGQ

ClinVar aggregate classification (germline): Uncertain significance. Review status: criteria provided, multiple submitters, no conflicts (2 of 4 stars). 2 submissions from 2 submitters: Uncertain significance (2). Last evaluated 2026-02-28.

Conditions:
Inborn genetic diseases. Identifiers: MedGen C0950123, MeSH D030342.

Allele frequency attached by ClinVar (database versions not stated): gnomAD exomes below 0.00001.
gnomAD v4.1: 3 of 1,613,810 alleles (0.00019%); highest among the groups gnomAD compares: Non-Finnish European, 0.00025%; no homozygotes.

Submissions (2):

Ambry Genetics
Classification: Uncertain significance for Inborn genetic diseases. Last evaluated: 2026-02-28. Review status: criteria provided, single submitter. Criteria: Ambry Variant Classification Scheme 2023. Collection method: clinical testing. Allele origin: germline.
Comment: The p.A1457S variant (also known as c.4369G>T), located in coding exon 1 of the SAMD9 gene, results from a G to T substitution at nucleotide position 4369. The alanine at codon 1457 is replaced by serine, an amino acid with similar properties. This amino acid position is conserved. In addition, this alteration is predicted to be tolerated by in silico analysis. Based on the available evidence, the clinical significance of this variant remains unclear.

Labcorp Genetics (formerly Invitae), Labcorp
Classification: Uncertain significance. Last evaluated: 2022-04-18. Review status: criteria provided, single submitter. Criteria: Invitae Variant Classification Sherloc (09022015). Collection method: clinical testing. Allele origin: germline.
Comment: This sequence change replaces alanine, which is neutral and non-polar, with serine, which is neutral and polar, at codon 1457 of the SAMD9 protein (p.Ala1457Ser). This variant is present in population databases (no rsID available, gnomAD 0.0009%). This variant has not been reported in the literature in individuals affected with SAMD9-related conditions. Algorithms developed to predict the effect of missense changes on protein structure and function (SIFT, PolyPhen-2, Align-GVGD) all suggest that this variant is likely to be tolerated. In summary, the available evidence is currently insufficient to determine the role of this variant in disease. Therefore, it has been classified as a Variant of Uncertain Significance.